The following is an entry in ClinVar:

NM_006343.3(MERTK):c.1372A>G (p.Thr458Ala)

Gene: MERTK (MER proto-oncogene, tyrosine kinase; plus strand). Cytogenetic location: 2q13.
Variant type: single nucleotide variant.
Coding change: c.1372A>G on transcript NM_006343.3 (MANE Select); coding-DNA position 1372, A replaced by G.
Protein change: p.Thr458Ala; replaces threonine 458 with alanine.
Molecular consequence: missense variant.
Genome position (GRCh38, 1-based): chr2:111,994,326, A>G. VCF-style: chr2-111994326-A-G. GRCh37 (hg19) VCF-style: chr2-112751903-A-G.
Other names: short protein forms T458A.
Identifiers: ClinVar variation 3249414 (VCV003249414.3).
Genomic context (GRCh38, chr2:111,994,326, plus strand): 5'-GAAGTTGGCCAGAATGGCAGCCGAGCTCGGATCTCTGTTCAAGTCCACAATGCTACGTGC[A>G]CAGTGAGGATTGCAGCCGTCACCAGAGGGGGAGTTGGGCCCTTCAGTGATCCAGTGAAAA-3'
Protein context (NP_006334.2, residues 448-468): ISVQVHNATC[Thr458Ala]VRIAAVTRGG

ClinVar aggregate classification (germline): Uncertain significance. Review status: criteria provided, single submitter (1 of 4 stars). 2 submissions from 2 submitters: Uncertain significance (1). 1 of the submissions does not count toward it. Last evaluated 2025-12-29.

Conditions:
Retinal dystrophy. Also called: Inherited retinal dystrophy. Identifiers: Orphanet 71862, MedGen C0854723, MeSH D058499, MONDO:0019118, HP:0000556.

gnomAD v4.1: 28 of 1,614,078 alleles (0.0017%); highest among the groups gnomAD compares: South Asian, 0.018%; no homozygotes.

Submissions (2):

Labcorp Genetics (formerly Invitae), Labcorp
Classification: Uncertain significance. Last evaluated: 2025-12-29. Review status: criteria provided, single submitter. Criteria: Invitae Variant Classification Sherloc (09022015). Collection method: clinical testing. Allele origin: germline.
Comment: This sequence change replaces threonine, which is neutral and polar, with alanine, which is neutral and non-polar, at codon 458 of the MERTK protein (p.Thr458Ala). This variant is present in population databases (rs768951091, gnomAD 0.01%). This variant has not been reported in the literature in individuals affected with MERTK-related conditions. ClinVar contains an entry for this variant (Variation ID: 3249414). Invitae Evidence Modeling of protein sequence and biophysical properties (such as structural, functional, and spatial information, amino acid conservation, physicochemical variation, residue mobility, and thermodynamic stability) indicates that this missense variant is not expected to disrupt MERTK protein function with a negative predictive value of 80%. In summary, the available evidence is currently insufficient to determine the role of this variant in disease. Therefore, it has been classified as a Variant of Uncertain Significance.

Institute of Human Genetics, Univ. Regensburg, Univ. Regensburg
Classification: Uncertain significance for Retinal dystrophy. Last evaluated: 2022-01-01. Review status: no assertion criteria provided. Criteria: ACMG Guidelines, 2015. Collection method: clinical testing. Allele origin: germline. Affected: yes. Not counted in ClinVar's aggregate classification.